The following is an entry in ClinVar:

ClinVar aggregate classification (germline): Uncertain significance. Review status: criteria provided, multiple submitters, no conflicts (2 of 4 stars). 8 submissions from 8 submitters: Uncertain significance (8). Last evaluated 2026-08-06.

Conditions:
NARS2-related disorder. Also called: NARS2-related condition.
Combined oxidative phosphorylation defect type 24. Also called: Combined oxidative phosphorylation deficiency 24. Identifiers: Orphanet 444458, MedGen C4015643, MONDO:0014547, OMIM 616239.

Allele frequency attached by ClinVar (database versions not stated): gnomAD exomes 0.00003 and 0.00004; ExAC 0.00005; 1000 Genomes Project 30x 0.00016; gnomAD 0.00018 and 0.00020; TOPMed 0.00019; 1000 Genomes Project 0.00020.
gnomAD v4.1: 71 of 1,611,160 alleles (0.0044%); highest among the groups gnomAD compares: African/African-American, 0.044%; no homozygotes.

Submissions (8):

PreventionGenetics, part of Exact Sciences
Classification: Uncertain significance for NARS2-related condition. Last evaluated: 2026-08-06. Review status: criteria provided, single submitter. Criteria: ACMG Guidelines, 2015. Collection method: clinical testing. Allele origin: germline.
Comment: The NARS2 c.1253G>A variant is predicted to result in the amino acid substitution p.Arg418His. This variant was reported in an individual with Combined oxidative phosphorylation deficiency (Han et al. 2019. PubMed ID: 31665838; Yang et al. 2022. PubMed ID: 35014173; Stenton et al. 2022. PubMed ID: 35094435; Quaio et al. 2022. PubMed ID: 36147510; Han et al. 2024. PubMed ID: 38831166). This variant is reported in 0.040% of alleles in individuals of African descent in gnomAD. At this time, the clinical significance of this variant is uncertain due to the absence of conclusive functional and genetic evidence.

Mayo Clinic Laboratories, Mayo Clinic
Classification: Uncertain significance. Last evaluated: 2025-08-29. Review status: criteria provided, single submitter. Criteria: ACMG Guidelines, 2015. Collection method: clinical testing. Allele origin: germline. Observed: 1 variant allele.
Comment: PM2_supporting

GeneDx
Classification: Uncertain significance. Last evaluated: 2025-07-10. Review status: criteria provided, single submitter. Criteria: GeneDx Variant Classification Process June 2021. Collection method: clinical testing. Allele origin: germline.
Comment: Observed with a second NARS2 variant in trans in a child with normal MRI, developmental regression, seizure, and hearing loss; the child was also found to be heteroplasmic at 32% for the m.3243 A>G pathogenic mtDNA variant (PMID: 36918699); In silico analysis supports that this missense variant has a deleterious effect on protein structure/function; This variant is associated with the following publications: (PMID: 31665838, 35094435, 35014173, 36147510, 36918699)

Mendelics
Classification: Uncertain significance for Combined oxidative phosphorylation defect type 24. Last evaluated: 2024-11-25. Review status: criteria provided, single submitter. Criteria: Mendelics Assertion Criteria 2017. Collection method: clinical testing. Allele origin: unknown.
Comment: The NM_024678.6(NARS2):c.1253G>A (p.Arg418His) variant (rs535877562) has a GnomAD 4.1.0 frequency of 0.00004407 (71 heterozygotes) with no homozygotes. Comments from other ClinVar submissions and literature review (PMID: 31665838 and 35014173) result in a change to VUS.

Women's Health and Genetics/Laboratory Corporation of America, LabCorp
Classification: Uncertain significance. Last evaluated: 2024-06-06. Review status: criteria provided, single submitter. Criteria: LabCorp Variant Classification Summary - May 2015. Collection method: clinical testing. Allele origin: germline.
Comment: Variant summary: NARS2 c.1253G>A (p.Arg418His) results in a non-conservative amino acid change located in the Aminoacyl-tRNA synthetase, class II (D/K/N) domain (IPR004364) of the encoded protein sequence. Five of five in-silico tools predict a damaging effect of the variant on protein function. The variant allele was found at a frequency of 4.4e-05 in 251304 control chromosomes. This frequency is not significantly higher than estimated for a pathogenic variant in NARS2 causing Combined Oxidative Phosphorylation Deficiency 24, allowing no conclusion about variant significance. c.1253G>A has been reported in the literature in the compound heterozygous state in at least one individual with clinical features of Combined Oxidative Phosphorylation Deficiency 24/Leigh Syndrome (e.g. Han_2019, Yang_2022, Stenton_2022) and in one individual with mitochondrial disease who also harbored a de novo variant in MT-TL1 (Wu_2023). These reports do not provide unequivocal conclusions about association of the variant with Combined Oxidative Phosphorylation Deficiency 24. To our knowledge, no experimental evidence demonstrating an impact on protein function has been reported. The following publications have been ascertained in the context of this evaluation (PMID: 31665838, 35094435, 36918699, 35014173). ClinVar contains an entry for this variant (Variation ID: 802711). Based on the evidence outlined above, the variant was classified as uncertain significance.

Labcorp Genetics (formerly Invitae), Labcorp
Classification: Uncertain significance. Last evaluated: 2023-08-04. Review status: criteria provided, single submitter. Criteria: Invitae Variant Classification Sherloc (09022015). Collection method: clinical testing. Allele origin: germline.
Comment: In summary, the available evidence is currently insufficient to determine the role of this variant in disease. Therefore, it has been classified as a Variant of Uncertain Significance. Advanced modeling of protein sequence and biophysical properties (such as structural, functional, and spatial information, amino acid conservation, physicochemical variation, residue mobility, and thermodynamic stability) has been performed at Invitae for this missense variant, however the output from this modeling did not meet the statistical confidence thresholds required to predict the impact of this variant on NARS2 protein function. ClinVar contains an entry for this variant (Variation ID: 802711). This missense change has been observed in individual(s) with combined oxidative phosphorylation deficiency and/or Leigh syndrome (PMID: 31665838, 35014173). This variant is present in population databases (rs535877562, gnomAD 0.04%). This sequence change replaces arginine, which is basic and polar, with histidine, which is basic and polar, at codon 418 of the NARS2 protein (p.Arg418His).

Laboratorio de Genetica e Diagnostico Molecular, Hospital Israelita Albert Einstein
Classification: Uncertain significance for Combined oxidative phosphorylation defect type 24. Last evaluated: 2022-08-10. Review status: criteria provided, single submitter. Criteria: ACMG Guidelines, 2015. Collection method: clinical testing. Allele origin: germline. Affected: yes. Observed: 1 variant allele.
Comment: ACMG classification criteria: PS4 supporting, PM2 supporting, PP4

Neuberg Centre For Genomic Medicine, NCGM
Classification: Uncertain significance for Combined oxidative phosphorylation defect type 24. Review status: criteria provided, single submitter. Criteria: ACMG Guidelines, 2015. Collection method: clinical testing. Allele origin: germline. Affected: yes.
Comment: The missense variant p.R418H in NARS2 (NM_024678.6) has been previously submitted to ClinVar as a Likely Pathogenic variant. However there is no assertion criteria or independent data available for review. It has not been observed in affected individuals in literature. The p.R418H variant is observed in 7/16,246 (0.0431%) alleles from individuals of African background in gnomAD Exomes and in 1/1,322 (0.0756%) alleles from individuals of African background in 1000 Genomes. There is a small physicochemical difference between arginine and histidine, which is not likely to impact secondary protein structure as these residues share similar properties. In silico tools predict the variant to be damaging but the residue is weakly conserved across species. For these reasons, this variant has been classified as Uncertain Significance.

Literature cited by the submitters: PubMed 31665838 (cited by 3 submitters); PubMed 35014173 (cited by 3 submitters); PubMed 35094435 (cited by Mayo Clinic Laboratories, Mayo Clinic and Women's Health and Genetics/Laboratory Corporation of America, LabCorp); PubMed 36620461 (cited by Mayo Clinic Laboratories, Mayo Clinic); PubMed 37746452 (cited by Mayo Clinic Laboratories, Mayo Clinic); PubMed 38310242 (cited by Mayo Clinic Laboratories, Mayo Clinic); PubMed 36918699 (cited by Women's Health and Genetics/Laboratory Corporation of America, LabCorp).

NM_024678.6(NARS2):c.1253G>A (p.Arg418His)

Gene: NARS2 (asparaginyl-tRNA synthetase 2, mitochondrial; minus strand). Cytogenetic location: 11q14.1.
Variant type: single nucleotide variant.
Coding change: c.1253G>A on transcript NM_024678.6 (MANE Select); coding-DNA position 1253, G replaced by A.
Protein change: p.Arg418His; replaces arginine 418 with histidine.
Molecular consequence: missense variant.
Genome position (GRCh38, 1-based): chr11:78,443,670, C>T on the plus strand (G>A on the coding strand, the complement: NARS2 is on the minus strand). VCF-style: chr11-78443670-C-T. GRCh37 (hg19) VCF-style: chr11-78154716-C-T.
Other names: p.Arg418His; c.572G>A, p.Arg191His (NM_001243251.2); c.1253G>A (NM_024678.5); short protein forms R191H, R418H.
Identifiers: ClinVar variation 802711 (VCV000802711.20), dbSNP rs535877562, ClinGen allele CA6205545.